The following is an entry in ClinVar:

ClinVar aggregate classification (germline): Uncertain significance (1 of 4 stars; one submission).

gnomAD v4.1: 1 of 1,613,760 alleles (0.000062%); no homozygotes.

Submission:

GeneDx
Classification: Uncertain significance. Last evaluated: 2022-06-17. Review status: criteria provided, single submitter. Criteria: GeneDx Variant Classification Process June 2021. Collection method: clinical testing. Allele origin: germline. Affected: yes.
Comment: In silico analysis supports that this missense variant has a deleterious effect on protein structure/function; Has not been previously published as pathogenic or benign to our knowledge

NM_197968.4(ZMYM2):c.332G>A (p.Gly111Glu)

Gene: ZMYM2 (zinc finger MYM-type containing 2; plus strand). Cytogenetic location: 13q12.11.
Variant type: single nucleotide variant.
Coding change: c.332G>A on transcript NM_197968.4 (MANE Select); coding-DNA position 332, G replaced by A.
Protein change: p.Gly111Glu; replaces glycine 111 with glutamic acid.
Molecular consequence: missense variant. On other transcripts: non-coding transcript variant (1).
Genome position (GRCh38, 1-based): chr13:19,993,404, G>A. VCF-style: chr13-19993404-G-A. GRCh37 (hg19) VCF-style: chr13-20567544-G-A.
Other names: c.332G>A, p.Gly111Glu (NM_001190964.4, NM_001190965.4, NM_001353157.2 and 6 more transcripts); c.398G>A, p.Gly133Glu (NM_001353161.3); short protein forms G111E, G133E.
Identifiers: ClinVar variation 1804249 (VCV001804249.1), dbSNP rs1353770386, ClinGen allele CA387666341.
Genomic context (GRCh38, chr13:19,993,404, plus strand): 5'-AACTACAAGGAAATGATTCCAAAATTACTCCTTCCTCAAAAGAGTTGGCATCTCAGAAGG[G>A]AAGTGTAAGTGAGACAATTGTCATTGATGATGAAGAGGACATGGAAACAAATCAAGGGCA-3'
Protein context (NP_932072.1, residues 101-121): PSSKELASQK[Gly111Glu]SVSETIVIDD